The following is an entry in ClinVar:

NM_001330078.2(NRXN1):c.2799C>G (p.Phe933Leu)

Gene: NRXN1 (neurexin 1; minus strand). Cytogenetic location: 2p16.3.
Variant type: single nucleotide variant.
Coding change: c.2799C>G on transcript NM_001330078.2 (MANE Select); coding-DNA position 2799, C replaced by G.
Protein change: p.Phe933Leu; replaces phenylalanine 933 with leucine.
Molecular consequence: missense variant.
Genome position (GRCh38, 1-based): chr2:50,497,413, G>C on the plus strand (C>G on the coding strand, the complement: NRXN1 is on the minus strand). VCF-style: chr2-50497413-G-C. GRCh37 (hg19) VCF-style: chr2-50724551-G-C.
Other names: c.2919C>G, p.Phe973Leu (NM_001135659.3); c.2775C>G, p.Phe925Leu (NM_001330077.2, NM_001330082.2); c.2733C>G, p.Phe911Leu (NM_001330083.2, NM_001330084.2); c.2772C>G, p.Phe924Leu (NM_001330085.2); c.2799C>G, p.Phe933Leu (NM_001330086.2, NM_004801.6); c.2688C>G, p.Phe896Leu (NM_001330087.2, NM_001330096.2); c.2718C>G, p.Phe906Leu (NM_001330088.2); c.2796C>G, p.Phe932Leu (NM_001330093.2); and 2 more; short protein forms F896L, F924L, F933L, F973L, F911L, F916L, F929L, F906L.
Identifiers: ClinVar variation 834994 (VCV000834994.13), dbSNP rs933775154, ClinGen allele CA47360617.
Genomic context (GRCh38, chr2:50,497,413, plus strand): 5'-AATAAAGTCATTTCCATCCCCACTGTTATATAGAATTAATCCATCTAGGGATGTTGTCTT[G>C]AACTGGAAAAAAAGATGCATAGAAGTGTAGGCTTGCAAGGTAGCTAAGGCAACATAGCTC-3'
Protein context (NP_001317007.1, residues 923-943): AYTSMHLFFQ[Phe933Leu]KTTSLDGLIL

ClinVar aggregate classification (germline): Uncertain significance. Review status: criteria provided, multiple submitters, no conflicts (2 of 4 stars). 3 submissions from 3 submitters: Uncertain significance (3). Last evaluated 2024-12-02.

Conditions:
Inborn genetic diseases. Identifiers: MedGen C0950123, MeSH D030342.
Pitt-Hopkins-like syndrome 2 (PTHSL2). Identifiers: Orphanet 221150, Orphanet 600663, MedGen C3280479, MONDO:0013690, OMIM 614325.

Allele frequency attached by ClinVar (database versions not stated): TOPMed 0.00003.
gnomAD v4.1: 13 of 1,608,106 alleles (0.00081%); highest among the groups gnomAD compares: African/African-American, 0.013%; no homozygotes.

Submissions (3):

Labcorp Genetics (formerly Invitae), Labcorp
Classification: Uncertain significance for Pitt-Hopkins-like syndrome 2. Last evaluated: 2024-12-02. Review status: criteria provided, single submitter. Criteria: Invitae Variant Classification Sherloc (09022015). Collection method: clinical testing. Allele origin: germline.
Comment: This sequence change replaces phenylalanine, which is neutral and non-polar, with leucine, which is neutral and non-polar, at codon 973 of the NRXN1 protein (p.Phe973Leu). This variant is present in population databases (no rsID available, gnomAD 0.03%). This variant has not been reported in the literature in individuals affected with NRXN1-related conditions. ClinVar contains an entry for this variant (Variation ID: 834994). An algorithm developed to predict the effect of missense changes on protein structure and function (PolyPhen-2) suggests that this variant is likely to be disruptive. In summary, the available evidence is currently insufficient to determine the role of this variant in disease. Therefore, it has been classified as a Variant of Uncertain Significance.

Ambry Genetics
Classification: Uncertain significance for Inborn genetic diseases. Last evaluated: 2024-09-01. Review status: criteria provided, single submitter. Criteria: Ambry Variant Classification Scheme 2023. Collection method: clinical testing. Allele origin: germline.

GeneDx
Classification: Uncertain significance. Last evaluated: 2024-04-10. Review status: criteria provided, single submitter. Criteria: GeneDx Variant Classification Process June 2021. Collection method: clinical testing. Allele origin: germline. Affected: yes.
Comment: In silico analysis supports that this missense variant has a deleterious effect on protein structure/function; Missense variant in a gene in which most reported pathogenic variants are truncating/loss-of-function; Has not been previously published as pathogenic or benign to our knowledge